The following is an entry in ClinVar:

NC_000018.9:g.73376178_78077248del4701071

Genes: ADNP2 (ADNP homeobox 2; plus strand), ATP9B (ATPase phospholipid transporting 9B; plus strand), CTDP1 (CTD phosphatase 1; plus strand), GALR1 (galanin receptor 1; plus strand), HSBP1L1 (heat shock factor binding protein 1 like 1; plus strand) and 12 more. Cytogenetic location: 18q23.
Variant type: Deletion.
Identifiers: ClinVar variation 242603 (VCV000242603.2).

ClinVar aggregate classification (germline): Pathogenic (0 of 4 stars; one submission).

Conditions:
Choanal atresia-hearing loss-cardiac defects-craniofacial dysmorphism syndrome (BMKS). Also called: Burn-McKeown Syndrome (BMKS); Burn-McKeown syndrome; Branchio oculo facial syndrome Hing type; OCULOOTOFACIAL DYSPLASIA. Identifiers: Orphanet 1200, MedGen C1837822, MONDO:0012064, OMIM 608572.

Submission:

GeneReviews
Classification: Pathogenic for Choanal atresia-hearing loss-cardiac defects-craniofacial dysmorphism syndrome. Last evaluated: 2016-03-28. Review status: no assertion criteria provided. Collection method: literature only. Allele origin: germline. Affected: yes.
Comment: Heterozygous whole-gene deletion

Literature cited by the submitters: PubMed 25434003.